The following is an entry in ClinVar:

ClinVar aggregate classification (germline): Uncertain significance (1 of 4 stars; one submission).

Conditions:
Xanthinuria type II. Also called: Xanthine dehydrogenase and aldehyde oxidase combined deficiency of; XDH and AOX dual deficiency. Identifiers: Orphanet 3467, Orphanet 93602, MedGen C1863688, MONDO:0011346, OMIM 603592.

Allele frequency attached by ClinVar (database versions not stated): ExAC 0.00001; gnomAD 0.00001; TOPMed 0.00001; gnomAD exomes 0.00002.
gnomAD v4.1: 12 of 1,614,036 alleles (0.00074%); highest among the groups gnomAD compares: Non-Finnish European, 0.001%; no homozygotes.

Submission:

Labcorp Genetics (formerly Invitae), Labcorp
Classification: Uncertain significance for Xanthinuria type II. Last evaluated: 2023-06-29. Review status: criteria provided, single submitter. Criteria: Invitae Variant Classification Sherloc (09022015). Collection method: clinical testing. Allele origin: germline.
Comment: ClinVar contains an entry for this variant (Variation ID: 1924798). In summary, the available evidence is currently insufficient to determine the role of this variant in disease. Therefore, it has been classified as a Variant of Uncertain Significance. Advanced modeling of protein sequence and biophysical properties (such as structural, functional, and spatial information, amino acid conservation, physicochemical variation, residue mobility, and thermodynamic stability) performed at Invitae indicates that this missense variant is not expected to disrupt MOCOS protein function. This variant has not been reported in the literature in individuals affected with MOCOS-related conditions. This variant is present in population databases (rs766390655, gnomAD 0.0009%). This sequence change replaces valine, which is neutral and non-polar, with methionine, which is neutral and non-polar, at codon 227 of the MOCOS protein (p.Val227Met).

NM_017947.4(MOCOS):c.679G>A (p.Val227Met)

Gene: MOCOS (molybdenum cofactor sulfurase; plus strand). Cytogenetic location: 18q12.2.
Variant type: single nucleotide variant.
Coding change: c.679G>A on transcript NM_017947.4 (MANE Select); coding-DNA position 679, G replaced by A.
Protein change: p.Val227Met; replaces valine 227 with methionine.
Molecular consequence: missense variant.
Genome position (GRCh38, 1-based): chr18:36,200,062, G>A. VCF-style: chr18-36200062-G-A. GRCh37 (hg19) VCF-style: chr18-33780025-G-A.
Other names: short protein forms V227M.
Identifiers: ClinVar variation 1924798 (VCV001924798.5), dbSNP rs766390655, ClinGen allele CA8940486.
Genomic context (GRCh38, chr18:36,200,062, plus strand): 5'-TCTGGAGTCAGATACCCCCTGTCCTGGATAGAAGAGGTCAAGTCTGGGCGGTTGCACCCT[G>A]TGAGCACGCCTGGGAAGTGGTTTGTGCTGCTGGATGCAGCCTCCTACGTGAGCACCTCGC-3'
Protein context (NP_060417.4, residues 217-237): EEVKSGRLHP[Val227Met]STPGKWFVLL